The following is an entry in ClinVar:

NM_001999.4(FBN2):c.8167C>G (p.Pro2723Ala)

Gene: FBN2 (fibrillin 2; minus strand). Cytogenetic location: 5q23.3.
Variant type: single nucleotide variant.
Coding change: c.8167C>G on transcript NM_001999.4 (MANE Select); coding-DNA position 8167, C replaced by G.
Protein change: p.Pro2723Ala; replaces proline 2723 with alanine.
Molecular consequence: missense variant.
Genome position (GRCh38, 1-based): chr5:128,263,450, G>C on the plus strand (C>G on the coding strand, the complement: FBN2 is on the minus strand). VCF-style: chr5-128263450-G-C. GRCh37 (hg19) VCF-style: chr5-127599142-G-C.
Other names: short protein forms P2723A.
Identifiers: ClinVar variation 2625455 (VCV002625455.4), dbSNP rs143401228, ClinGen allele CA3393904.
Genomic context (GRCh38, chr5:128,263,450, plus strand): 5'-ATTCCTCTATGTGCTGAGGCTGAAGGCCGCCTTACCCTTGTCCCACTCTGTAATACCCAG[G>C]GGGGCAGCCACAGAGGTAGCCCCCCTCCGTGTTAGAGCAGCCGTAATTGCAGGGGTTCTT-3'
Protein context (NP_001990.2, residues 2713-2733): TEGGYLCGCP[Pro2723Ala]GYYRVGQGHC

ClinVar aggregate classification (germline): Uncertain significance. Review status: criteria provided, multiple submitters, no conflicts (2 of 4 stars). 3 submissions from 3 submitters: Uncertain significance (3). Last evaluated 2025-04-14.

Conditions:
Familial thoracic aortic aneurysm and aortic dissection (TAAD). Also called: Thoracic aortic aneurysms and dissections. Identifiers: Orphanet 91387, MedGen C4707243, MONDO:0019625.
Congenital contractural arachnodactyly (CCA). Also called: BEALS SYNDROME; Beals-Hecht syndrome; Arthrogryposis, distal, type 9. Identifiers: Orphanet 115, MedGen C0220668, MONDO:0007363, OMIM 121050.

Allele frequency attached by ClinVar (database versions not stated): ExAC 0.00002; ESP Exome Variant Server 0.00008.
gnomAD v4.1: 17 of 1,613,800 alleles (0.0011%); highest among the groups gnomAD compares: South Asian, 0.0022%; no homozygotes.

Submissions (3):

Labcorp Genetics (formerly Invitae), Labcorp
Classification: Uncertain significance for Congenital contractural arachnodactyly. Last evaluated: 2025-04-14. Review status: criteria provided, single submitter. Criteria: Invitae Variant Classification Sherloc (09022015). Collection method: clinical testing. Allele origin: germline.
Comment: This sequence change replaces proline, which is neutral and non-polar, with alanine, which is neutral and non-polar, at codon 2723 of the FBN2 protein (p.Pro2723Ala). This variant is present in population databases (rs143401228, gnomAD 0.004%). This variant has not been reported in the literature in individuals affected with FBN2-related conditions. ClinVar contains an entry for this variant (Variation ID: 2625455). Invitae Evidence Modeling of protein sequence and biophysical properties (such as structural, functional, and spatial information, amino acid conservation, physicochemical variation, residue mobility, and thermodynamic stability) indicates that this missense variant is not expected to disrupt FBN2 protein function with a negative predictive value of 80%. In summary, the available evidence is currently insufficient to determine the role of this variant in disease. Therefore, it has been classified as a Variant of Uncertain Significance.

GeneDx
Classification: Uncertain significance. Last evaluated: 2024-04-11. Review status: criteria provided, single submitter. Criteria: GeneDx Variant Classification Process June 2021. Collection method: clinical testing. Allele origin: germline. Affected: yes.
Comment: Not observed at significant frequency in large population cohorts (gnomAD); In silico analysis supports that this missense variant has a deleterious effect on protein structure/function; Has not been previously published as pathogenic or benign to our knowledge; Although located in a calcium-binding EGF-like domain of the FBN2 gene, it does not substitute or introduce a cysteine residue (PMID: 19006240, 18767143); This variant is associated with the following publications: (PMID: 19006240, 18767143)

Ambry Genetics
Classification: Uncertain significance for Familial thoracic aortic aneurysm and aortic dissection. Last evaluated: 2023-07-14. Review status: criteria provided, single submitter. Criteria: Ambry Variant Classification Scheme 2023. Collection method: clinical testing. Allele origin: germline.
Comment: The p.P2723A variant (also known as c.8167C>G), located in coding exon 63 of the FBN2 gene, results from a C to G substitution at nucleotide position 8167. The proline at codon 2723 is replaced by alanine, an amino acid with highly similar properties. This amino acid position is well conserved in available vertebrate species. In addition, the in silico prediction for this alteration is inconclusive. Since supporting evidence is limited at this time, the clinical significance of this alteration remains unclear.